The following is an entry in ClinVar:

NM_198053.3(CD247):c.250G>A (p.Asp84Asn)

Gene: CD247 (CD247 molecule; minus strand). Cytogenetic location: 1q24.2.
Variant type: single nucleotide variant.
Coding change: c.250G>A on transcript NM_198053.3 (MANE Select); coding-DNA position 250, G replaced by A.
Protein change: p.Asp84Asn; replaces aspartic acid 84 with asparagine.
Molecular consequence: missense variant.
Genome position (GRCh38, 1-based): chr1:167,438,620, C>T on the plus strand (G>A on the coding strand, the complement: CD247 is on the minus strand). VCF-style: chr1-167438620-C-T. GRCh37 (hg19) VCF-style: chr1-167407857-C-T.
Other names: c.250G>A, p.Asp84Asn (NM_000734.4); c.343G>A, p.Asp115Asn (NM_001378515.1, NM_001378516.1); short protein forms D115N, D84N.
Identifiers: ClinVar variation 1385849 (VCV001385849.6), dbSNP rs753572867, ClinGen allele CA343462656.
Genomic context (GRCh38, chr1:167,438,620, plus strand): 5'-GAACCCCTACCGGCTTTCCCCCCATCTCAGGGTCCCGGCCACGTCTCTTGTCCAAAACAT[C>T]GTACTCCTCTCTTCGTCCTAGATTGAGCTCCTATAACAGATAAGAAAGTGTCAGACACAG-3'
Protein context (NP_932170.1, residues 74-94): ELNLGRREEY[Asp84Asn]VLDKRRGRDP

ClinVar aggregate classification (germline): Uncertain significance (1 of 4 stars; one submission).

Conditions:
Immunodeficiency 25. Also called: Immunodeficiency due to defect in cd3-zeta, somatic. Identifiers: MedGen C1857798, MONDO:0012426, OMIM 610163.

gnomAD v4.1: 7 of 1,614,076 alleles (0.00043%); highest among the groups gnomAD compares: Non-Finnish European, 0.00051%; no homozygotes.

Submission:

Labcorp Genetics (formerly Invitae), Labcorp
Classification: Uncertain significance for Immunodeficiency 25. Last evaluated: 2022-09-01. Review status: criteria provided, single submitter. Criteria: Invitae Variant Classification Sherloc (09022015). Collection method: clinical testing. Allele origin: germline.
Comment: ClinVar contains an entry for this variant (Variation ID: 1385849). This sequence change replaces aspartic acid, which is acidic and polar, with asparagine, which is neutral and polar, at codon 84 of the CD247 protein (p.Asp84Asn). This variant is not present in population databases (gnomAD no frequency). This variant has not been reported in the literature in individuals affected with CD247-related conditions. Algorithms developed to predict the effect of missense changes on protein structure and function are either unavailable or do not agree on the potential impact of this missense change (SIFT: "Tolerated"; PolyPhen-2: "Possibly Damaging"; Align-GVGD: "Class C0"). In summary, the available evidence is currently insufficient to determine the role of this variant in disease. Therefore, it has been classified as a Variant of Uncertain Significance.